The following is an entry in ClinVar:

NM_172070.4(UBR3):c.3431C>T (p.Ser1144Leu)

Gene: UBR3 (ubiquitin protein ligase E3 component n-recognin 3; plus strand). Cytogenetic location: 2q31.1.
Variant type: single nucleotide variant.
Coding change: c.3431C>T on transcript NM_172070.4 (MANE Select); coding-DNA position 3431, C replaced by T.
Protein change: p.Ser1144Leu; replaces serine 1144 with leucine.
Molecular consequence: missense variant.
Genome position (GRCh38, 1-based): chr2:169,949,951, C>T. VCF-style: chr2-169949951-C-T. GRCh37 (hg19) VCF-style: chr2-170806461-C-T.
Other names: short protein forms S1144L.
Identifiers: ClinVar variation 4981770 (VCV004981770.1).

ClinVar aggregate classification (germline): Uncertain significance (1 of 4 stars; one submission).

Conditions:
UBR3-related disorder. Also called: UBR3-related condition.

gnomAD v4.1: 26 of 1,613,618 alleles (0.0016%); highest among the groups gnomAD compares: African/African-American, 0.021%; no homozygotes.

Submission:

PreventionGenetics, part of Exact Sciences
Classification: Uncertain significance for UBR3-related condition. Last evaluated: 2025-01-08. Review status: criteria provided, single submitter. Criteria: ACMG Guidelines, 2015. Collection method: clinical testing. Allele origin: germline.
Comment: The UBR3 c.3431C>T variant is predicted to result in the amino acid substitution p.Ser1144Leu. To our knowledge, this variant has not been reported in the literature. This variant is reported in 0.032% of alleles in individuals of African descent in gnomAD. At this time, the clinical significance of this variant is uncertain due to the absence of conclusive functional and genetic evidence.